The following is an entry in ClinVar:

NM_001170535.3(ATAD3A):c.445-3C>T

Gene: ATAD3A (ATPase family AAA domain containing 3A; plus strand). Cytogenetic location: 1p36.33.
Variant type: single nucleotide variant.
Coding change: c.445-3C>T on transcript NM_001170535.3 (MANE Select); 3 bases into the intron before coding-DNA position 445, C replaced by T.
Molecular consequence: intron variant.
Genome position (GRCh38, 1-based): chr1:1,518,918, C>T. VCF-style: chr1-1518918-C-T. GRCh37 (hg19) VCF-style: chr1-1454298-C-T.
Other names: c.589-3C>T (NM_018188.5); c.208-3C>T (NM_001170536.3).
Identifiers: ClinVar variation 2314950 (VCV002314950.2), dbSNP rs778919180, ClinGen allele CA525772.
Genomic context (GRCh38, chr1:1,518,918, plus strand): 5'-CGCACACATGGGCACAGTCACAGGTTTTAAAGGCTTTTCTCTTTTTCTGCGGCTTCTTCT[C>T]AGCAACTTCTCAATGAGGAGAATTTACGGAAGCAGGAGGAGTCCGTGCAGAAGCAGGAAG-3'

ClinVar aggregate classification (germline): Uncertain significance (1 of 4 stars; one submission).

Conditions:
Inborn genetic diseases. Identifiers: MedGen C0950123, MeSH D030342.

Allele frequency attached by ClinVar (database versions not stated): TOPMed 0.00001; ExAC 0.00004.
gnomAD v4.1: 41 of 1,614,024 alleles (0.0025%); highest among the groups gnomAD compares: South Asian, 0.0066%; no homozygotes.

Submission:

Ambry Genetics
Classification: Uncertain significance for Inborn genetic diseases. Last evaluated: 2022-11-14. Review status: criteria provided, single submitter. Criteria: Ambry Variant Classification Scheme 2023. Collection method: clinical testing. Allele origin: germline.
Comment: The c.589-3C>T intronic alteration consists of a C to T substitution 3 nucleotides before coding exon 5 in the ATAD3A gene. Based on insufficient or conflicting evidence, the clinical significance of this alteration remains unclear.